The following is an entry in ClinVar:

NM_005422.4(TECTA):c.607G>T (p.Gly203Cys)

Genes: TBCEL-TECTA (TBCEL-TECTA readthrough; plus strand), TECTA (tectorin alpha; plus strand). Cytogenetic location: 11q23.3.
Variant type: single nucleotide variant.
Coding change: c.607G>T on transcript NM_005422.4 (MANE Select); coding-DNA position 607, G replaced by T.
Protein change: p.Gly203Cys; replaces glycine 203 with cysteine.
Molecular consequence: missense variant.
Genome position (GRCh38, 1-based): chr11:121,113,192, G>T. VCF-style: chr11-121113192-G-T. GRCh37 (hg19) VCF-style: chr11-120983901-G-T.
Other names: c.1564G>T, p.Gly522Cys (NM_001378761.1); short protein forms G203C, G522C.
Identifiers: ClinVar variation 4072466 (VCV004072466.1).
Genomic context (GRCh38, chr11:121,113,192, plus strand): 5'-TATTACGAAATCAACTGGACCACGGGGACGGCGAGTGGCGGCGACCCCCTGACAGGTCTT[G>T]GTGGAGTGATGGCACAGGTAGGTGGCTCTCCACTTCATCCCCCGCGTGTTTCCGTCGCTG-3'
Protein context (NP_005413.2, residues 193-213): ASGGDPLTGL[Gly203Cys]GVMAQAGFNG

ClinVar aggregate classification (germline): Uncertain significance (1 of 4 stars; one submission).

Submission:

GeneDx
Classification: Uncertain significance. Last evaluated: 2025-02-02. Review status: criteria provided, single submitter. Criteria: GeneDx Variant Classification Process June 2021. Collection method: clinical testing. Allele origin: germline. Affected: yes.
Comment: Not observed at significant frequency in large population cohorts (gnomAD); In silico analysis indicates that this missense variant does not alter protein structure/function; Has not been previously published as pathogenic or benign to our knowledge; This variant is associated with the following publications: (PMID: 21520338, 31554319, 9590290)